The following is an entry in ClinVar:

NM_006846.4(SPINK5):c.474+66C>G

Gene: SPINK5 (serine peptidase inhibitor Kazal type 5; plus strand). Cytogenetic location: 5q32.
Variant type: single nucleotide variant.
Coding change: c.474+66C>G on transcript NM_006846.4 (MANE Select); 66 bases into the intron after coding-DNA position 474, C replaced by G.
Molecular consequence: intron variant.
Genome position (GRCh38, 1-based): chr5:148,088,671, C>G. VCF-style: chr5-148088671-C-G. GRCh37 (hg19) VCF-style: chr5-147468234-C-G.
Other names: c.474+66C>G (NM_001127698.2, NM_001127699.2).
Identifiers: ClinVar variation 1222588 (VCV001222588.5), dbSNP rs7711953, ClinGen allele CA15370998.
Genomic context (GRCh38, chr5:148,088,671, plus strand): 5'-GTCAATTGTCAGCCTGATGGGAAATACTGGGAGGCTAACTTCAAATAGTAAGTAGGTGCT[C>G]TCCTCTTCCTTCTTAGGTGGGAGCCTTGGAAGGAATTAATTCTTGCTTTATGTGAAATGG-3'

ClinVar aggregate classification (germline): Benign. Review status: criteria provided, multiple submitters, no conflicts (2 of 4 stars). 2 submissions from 2 submitters: Benign (2). Last evaluated 2024-01-24.

Allele frequency attached by ClinVar (database versions not stated): ESP Exome Variant Server 0.44919; 1000 Genomes Project 30x 0.45815; 1000 Genomes Project 0.46026; gnomAD 0.46092 and 0.46491; TOPMed 0.46644; gnomAD exomes 0.51333.
gnomAD v4.1: 756,501 of 1,488,210 alleles (51%); highest among the groups gnomAD compares: Admixed American, 66%; 194,987 homozygotes.

Submissions (2):

Unidad de Genómica Garrahan, Hospital de Pediatría Garrahan
Classification: Benign. Last evaluated: 2024-01-24. Review status: criteria provided, single submitter. Criteria: ACMG Guidelines, 2015. Collection method: clinical testing. Allele origin: germline. Affected: no. Observed: 78 variant alleles.
Comment: This variant is classified as Benign based on local population frequency. This variant was detected in 89% of patients studied by a panel of primary immunodeficiencies. Number of patients: 78. Only high quality variants are reported.

GeneDx
Classification: Benign. Last evaluated: 2015-03-03. Review status: criteria provided, single submitter. Criteria: GeneDx Variant Classification Process June 2021. Collection method: clinical testing. Allele origin: germline. Affected: yes.